The following is an entry in ClinVar:

NM_001367479.1(DNAH14):c.9097G>A (p.Val3033Ile)

Gene: DNAH14 (dynein axonemal heavy chain 14; plus strand). Cytogenetic location: 1q42.12.
Variant type: single nucleotide variant.
Coding change: c.9097G>A on transcript NM_001367479.1 (MANE Select); coding-DNA position 9097, G replaced by A.
Protein change: p.Val3033Ile; replaces valine 3033 with isoleucine.
Molecular consequence: missense variant.
Genome position (GRCh38, 1-based): chr1:225,307,552, G>A. VCF-style: chr1-225307552-G-A. GRCh37 (hg19) VCF-style: chr1-225495254-G-A.
Other names: NM_001373.1:c.8818G>A; short protein forms V3033I.
Identifiers: ClinVar variation 3342791 (VCV003342791.1).

ClinVar aggregate classification (germline): Uncertain significance (1 of 4 stars; one submission).

gnomAD v4.1: 172 of 1,540,476 alleles (0.011%); highest among the groups gnomAD compares: South Asian, 0.19%; 1 homozygote.

Submission:

GeneDx
Classification: Uncertain significance. Last evaluated: 2023-12-13. Review status: criteria provided, single submitter. Criteria: GeneDx Variant Classification Process June 2021. Collection method: clinical testing. Allele origin: germline. Affected: yes.
Comment: In silico analysis supports that this missense variant does not alter protein structure/function; Has not been previously published as pathogenic or benign to our knowledge